The following is an entry in ClinVar:

ClinVar aggregate classification (germline): Likely pathogenic (0 of 4 stars; one submission).

Conditions:
Marfan syndrome (MFS). Also called: MARFAN SYNDROME, TYPE I; Marfan syndrome type 1; Marfan's syndrome; FBN1-Related Marfan Syndrome; Marfan syndrome, classic. Identifiers: Orphanet 284963, Orphanet 558, MedGen C0024796, MONDO:0007947, OMIM 154700.

Submission:

Department of Laboratory Medicine and Genetics, Samsung Medical Center
Classification: Likely pathogenic for Marfan syndrome. Last evaluated: 2025-01-02. Review status: no assertion criteria provided. Collection method: clinical testing. Allele origin: germline.
Comment: The NM_000138.5:c.7279T>G is considered to be rare in the general population database (gnomAD v2.1.1). This variant is predicted to be deleterious by in-silico analysis (REVEL). This variant is located in functional domains. In summary, this variant was classified as a likely pathogenic variant for Marfan syndrome (PM1_S, PP2, PP3, PM2_P).

Literature cited by the submitters: PubMed 37558401.

NM_000138.5(FBN1):c.7279T>G (p.Cys2427Gly)

Gene: FBN1 (fibrillin 1; minus strand). Cytogenetic location: 15q21.1.
Variant type: single nucleotide variant.
Coding change: c.7279T>G on transcript NM_000138.5 (MANE Select); coding-DNA position 7279, T replaced by G.
Protein change: p.Cys2427Gly; replaces cysteine 2427 with glycine.
Molecular consequence: missense variant.
Genome position (GRCh38, 1-based): chr15:48,425,790, A>C on the plus strand (T>G on the coding strand, the complement: FBN1 is on the minus strand). VCF-style: chr15-48425790-A-C. GRCh37 (hg19) VCF-style: chr15-48717987-A-C.
Other names: c.7279T>G, p.Cys2427Gly (NM_001406716.1); short protein forms C2427G.
Identifiers: ClinVar variation 3600256 (VCV003600256.1).
Genomic context (GRCh38, chr15:48,425,790, plus strand): 5'-GACACTTACCTACACAGGAAGTCCCAGTTATATCTGGAGTGTACCCAGTTTTACAAATGC[A>C]ATGATATGATCCTCTGTCATTGACACATTCCCCATTTCGGCAAACATCGTGAATAACCTT-3'
Protein context (NP_000129.3, residues 2417-2437): ECVNDRGSYH[Cys2427Gly]ICKTGYTPDI